The following is an entry in ClinVar:

ClinVar aggregate classification (germline): Uncertain significance. Review status: criteria provided, multiple submitters, no conflicts (2 of 4 stars). 2 submissions from 2 submitters: Uncertain significance (2). Last evaluated 2025-01-30.

Conditions:
TTN-related disorder. Also called: TTN-related condition; TTN-related disease; TTN-related disorders.

Submissions (2):

Women's Health and Genetics/Laboratory Corporation of America, LabCorp
Classification: Uncertain significance. Last evaluated: 2025-01-30. Review status: criteria provided, single submitter. Criteria: LabCorp Variant Classification Summary - May 2015. Collection method: clinical testing. Allele origin: germline.
Comment: Variant summary: TTN c.31742-1975C>A is located at a position not widely known to affect splicing. This variant corresponds to c.38225C>A, p.Pro12742Gln in NM_001267550. Consensus agreement among computation tools predict no significant impact on normal splicing. However, these predictions have yet to be confirmed by functional studies. The variant allele was found at a frequency of 5.4e-05 in 55916 control chromosomes, predominantly at a frequency of 0.00014 within the Non-Finnish European subpopulation in the gnomAD database. The available data on variant occurrences in the general population are insufficient to allow any conclusion about variant significance. To our knowledge, no occurrence of c.31742-1975C>A in individuals affected with Dilated Cardiomyopathy and no experimental evidence demonstrating its impact on protein function have been reported. ClinVar contains an entry for this variant (Variation ID: 2632807). Based on the evidence outlined above, the variant was classified as uncertain significance.

PreventionGenetics, part of Exact Sciences
Classification: Uncertain significance for TTN-related condition. Last evaluated: 2023-05-10. Review status: criteria provided, single submitter. Criteria: ACMG Guidelines, 2015. Collection method: clinical testing. Allele origin: germline.
Comment: The TTN c.38225C>A variant is predicted to result in the amino acid substitution p.Pro12742Gln. To our knowledge, this variant has not been reported in the literature. This variant is reported in 0.012% of alleles in individuals of European (Non-Finnish) descent in gnomAD. At this time, the clinical significance of this variant is uncertain due to the absence of conclusive functional and genetic evidence.

NM_001267550.2(TTN):c.38225C>A (p.Pro12742Gln)

Gene: TTN (titin; minus strand). Cytogenetic location: 2q31.2.
Variant type: single nucleotide variant.
Coding change: c.38225C>A on transcript NM_001267550.2 (MANE Select); coding-DNA position 38225, C replaced by A.
Protein change: p.Pro12742Gln; replaces proline 12742 with glutamine.
Molecular consequence: missense variant. On other transcripts: intron variant (5).
Genome position (GRCh38, 1-based): chr2:178,654,516, G>T on the plus strand (C>A on the coding strand, the complement: TTN is on the minus strand). VCF-style: chr2-178654516-G-T. GRCh37 (hg19) VCF-style: chr2-179519243-G-T.
Other names: c.13283-12199C>A (NM_003319.4); c.13859-12199C>A (NM_133437.4); c.13658-12199C>A (NM_133432.3); c.31742-1975C>A (NM_133378.4); c.34523-1975C>A (NM_001256850.1); short protein forms P12742Q.
Identifiers: ClinVar variation 2632807 (VCV002632807.4), dbSNP rs1313249254, ClinGen allele CA349475632.